The following is an entry in ClinVar:

NM_002437.5(MPV17):c.135A>T (p.Glu45Asp)

Gene: MPV17 (mitochondrial inner membrane protein MPV17; minus strand). Cytogenetic location: 2p23.3.
Variant type: single nucleotide variant.
Coding change: c.135A>T on transcript NM_002437.5 (MANE Select); coding-DNA position 135, A replaced by T.
Protein change: p.Glu45Asp; replaces glutamic acid 45 with aspartic acid.
Molecular consequence: missense variant.
Genome position (GRCh38, 1-based): chr2:27,313,045, T>A on the plus strand (A>T on the coding strand, the complement: MPV17 is on the minus strand). VCF-style: chr2-27313045-T-A. GRCh37 (hg19) VCF-style: chr2-27535912-T-A.
Other names: short protein forms E45D.
Identifiers: ClinVar variation 4983825 (VCV004983825.1).

ClinVar aggregate classification (germline): Uncertain significance (1 of 4 stars; one submission).

Conditions:
MPV17-related disorder. Also called: MPV17-related disorders; MPV17-related condition. Identifiers: MedGen CN239328.

gnomAD v4.1: 1 of 1,614,126 alleles (0.000062%); highest among the groups gnomAD compares: South Asian, 0.0011%; no homozygotes.

Submission:

PreventionGenetics, part of Exact Sciences
Classification: Uncertain significance for MPV17-related condition. Last evaluated: 2025-12-30. Review status: criteria provided, single submitter. Criteria: ACMG Guidelines, 2015. Collection method: clinical testing. Allele origin: germline.
Comment: The MPV17 c.135A>T variant is predicted to result in the amino acid substitution p.Glu45Asp. To our knowledge, this variant has not been reported in the literature. This variant is reported in 0.0033% of alleles in individuals of South Asian descent in gnomAD. At this time, the clinical significance of this variant is uncertain due to the absence of conclusive functional and genetic evidence.